The following is an entry in ClinVar:

NM_001035.3(RYR2):c.5095C>T (p.Arg1699Cys)

Gene: RYR2 (ryanodine receptor 2; plus strand). Cytogenetic location: 1q43.
Variant type: single nucleotide variant.
Coding change: c.5095C>T on transcript NM_001035.3 (MANE Select); coding-DNA position 5095, C replaced by T.
Protein change: p.Arg1699Cys; replaces arginine 1699 with cysteine.
Molecular consequence: missense variant.
Genome position (GRCh38, 1-based): chr1:237,614,223, C>T. VCF-style: chr1-237614223-C-T. GRCh37 (hg19) VCF-style: chr1-237777523-C-T.
Other names: short protein forms R1699C.
Identifiers: ClinVar variation 1677629 (VCV001677629.2), dbSNP rs2148594268, ClinGen allele CA345404009.

ClinVar aggregate classification (germline): Uncertain significance. Review status: criteria provided, multiple submitters, no conflicts (2 of 4 stars). 2 submissions from 2 submitters: Uncertain significance (2). Last evaluated 2024-03-05.

Conditions:
Catecholaminergic polymorphic ventricular tachycardia (CVPT). Also called: Catecholamine-induced polymorphic ventricular tachycardia. Identifiers: Orphanet 3286, MedGen C5574922, MONDO:0017990.

gnomAD v4.1: 4 of 1,614,038 alleles (0.00025%); highest among the groups gnomAD compares: Non-Finnish European, 0.00034%; no homozygotes.

Submissions (2):

All of Us Research Program, National Institutes of Health
Classification: Uncertain significance for Catecholaminergic polymorphic ventricular tachycardia. Last evaluated: 2024-03-05. Review status: criteria provided, single submitter. Criteria: ACMG Guidelines, 2015. Collection method: clinical testing. Allele origin: germline. Inheritance: Autosomal dominant inheritance. Observed: 1 variant allele, 1 heterozygote.
Comment: This study involves interpretation of variants in research participants for the purpose of population health screening. Participant phenotype was not available at the time of variant classification. Additional details can be found in publication PMID: 35346344, PMCID: PMC8962531

AiLife Diagnostics
Classification: Uncertain significance. Last evaluated: 2021-11-17. Review status: criteria provided, single submitter. Criteria: ACMG Guidelines, 2015. Collection method: clinical testing. Allele origin: germline. Affected: yes. Observed: 1 variant allele.